The following is an entry in ClinVar:

ClinVar aggregate classification (germline): Likely benign (0 of 4 stars; one submission).

Conditions:
TMEM135-related disorder. Also called: TMEM135-related condition.

Allele frequency attached by ClinVar (database versions not stated): gnomAD exomes 0.00008; ExAC 0.00038; 1000 Genomes Project 30x 0.00078; 1000 Genomes Project 0.00080; gnomAD 0.00115; TOPMed 0.00140; ESP Exome Variant Server 0.00185.
gnomAD v4.1: 307 of 1,613,866 alleles (0.019%); highest among the groups gnomAD compares: African/African-American, 0.37%; 1 homozygote.

Submission:

PreventionGenetics, part of Exact Sciences
Classification: Likely benign for TMEM135-related condition. Last evaluated: 2023-07-30. Review status: no assertion criteria provided. Collection method: clinical testing. Allele origin: germline.
Comment: This variant is classified as likely benign based on ACMG/AMP sequence variant interpretation guidelines (Richards et al. 2015 PMID: 25741868, with internal and published modifications).

NM_022918.4(TMEM135):c.883A>G (p.Lys295Glu)

Gene: TMEM135 (transmembrane protein 135; plus strand). Cytogenetic location: 11q14.2.
Variant type: single nucleotide variant.
Coding change: c.883A>G on transcript NM_022918.4 (MANE Select); coding-DNA position 883, A replaced by G.
Protein change: p.Lys295Glu; replaces lysine 295 with glutamic acid.
Molecular consequence: missense variant. On other transcripts: non-coding transcript variant (1).
Genome position (GRCh38, 1-based): chr11:87,309,619, A>G. VCF-style: chr11-87309619-A-G. GRCh37 (hg19) VCF-style: chr11-87020661-A-G.
Other names: c.817A>G, p.Lys273Glu (NM_001168724.2); short protein forms K273E, K295E.
Identifiers: ClinVar variation 3053841 (VCV003053841.2), dbSNP rs143844810, ClinGen allele CA6218962.